The following is an entry in ClinVar:

NM_024675.4(PALB2):c.1044A>G (p.Gln348=)

Gene: PALB2 (partner and localizer of BRCA2; minus strand). Cytogenetic location: 16p12.2.
Variant type: single nucleotide variant.
Coding change: c.1044A>G on transcript NM_024675.4 (MANE Select); coding-DNA position 1044, A replaced by G.
Protein change: p.Gln348=; no amino-acid change (glutamine 348 retained).
Molecular consequence: synonymous variant.
Genome position (GRCh38, 1-based): chr16:23,635,502, T>C on the plus strand (A>G on the coding strand, the complement: PALB2 is on the minus strand). VCF-style: chr16-23635502-T-C. GRCh37 (hg19) VCF-style: chr16-23646823-T-C.
Identifiers: ClinVar variation 818309 (VCV000818309.15), dbSNP rs1597097374, ClinGen allele CA494461627.

ClinVar aggregate classification (germline): Benign/Likely benign. Review status: criteria provided, multiple submitters, no conflicts (2 of 4 stars). 3 submissions from 3 submitters: Benign (1); Likely benign (2). Last evaluated 2025-08-18.

Conditions:
Hereditary cancer-predisposing syndrome. Also called: Tumor predisposition; Hereditary neoplastic syndrome; Neoplastic Syndromes, Hereditary; Hereditary Cancer Syndrome. Identifiers: Orphanet 140162, MedGen C0027672, MeSH D009386, MONDO:0015356.
Familial cancer of breast. Also called: hereditary breast carcinoma; Hereditary breast cancer; BREAST CANCER, FAMILIAL. Identifiers: Orphanet 227535, MedGen C0346153, MONDO:0016419, OMIM 114480. Disease mechanism: loss of function.

Allele frequency attached by ClinVar (database versions not stated): gnomAD exomes below 0.00001.
gnomAD v4.1: 2 of 1,614,048 alleles (0.00012%); highest among the groups gnomAD compares: Non-Finnish European, 0.00017%; no homozygotes.

Submissions (3):

Labcorp Genetics (formerly Invitae), Labcorp
Classification: Likely benign for Familial cancer of breast. Last evaluated: 2025-08-18. Review status: criteria provided, single submitter. Criteria: Invitae Variant Classification Sherloc (09022015). Collection method: clinical testing. Allele origin: germline.

Myriad Genetics, Inc.
Classification: Benign for Familial cancer of breast. Last evaluated: 2025-01-13. Review status: criteria provided, single submitter. Criteria: Myriad Autosomal Dominant, Autosomal Recessive and X-Linked Classification Criteria (2023). Collection method: clinical testing. Allele origin: unknown.
Comment: This variant is considered benign. This variant is a silent/synonymous amino acid change and it is not expected to impact splicing.

Ambry Genetics
Classification: Likely benign for Hereditary cancer-predisposing syndrome. Last evaluated: 2018-04-09. Review status: criteria provided, single submitter. Criteria: Ambry Variant Classification Scheme 2023. Collection method: clinical testing. Allele origin: germline.